The following is an entry in ClinVar:

ClinVar aggregate classification (germline): Pathogenic (1 of 4 stars; one submission).

Conditions:
Focal segmental glomerulosclerosis 7 (FSGS7). Identifiers: Orphanet 656, MedGen C4014925, MONDO:0014451, OMIM 616002.
Renal coloboma syndrome (PAPRS). Also called: CONGENITAL ANOMALIES OF THE KIDNEY AND URINARY TRACT WITH OR WITHOUT OCULAR ABNORMALITIES; CAKUT WITH OR WITHOUT OCULAR ABNORMALITIES; PAPILLORENAL SYNDROME WITH MILD OCULAR ABNORMALITIES; COLOBOMA OF OPTIC NERVE WITH RENAL DISEASE; OPTIC COLOBOMA, VESICOURETERAL REFLUX, AND RENAL ANOMALIES; OPTIC NERVE COLOBOMA WITH RENAL DISEASE. Identifiers: Orphanet 1475, MedGen C1852759, MONDO:0007352, OMIM 120330.

Submission:

Labcorp Genetics (formerly Invitae), Labcorp
Classification: Pathogenic for Renal coloboma syndrome; Focal segmental glomerulosclerosis 7. Last evaluated: 2022-09-28. Review status: criteria provided, single submitter. Criteria: Invitae Variant Classification Sherloc (09022015). Collection method: clinical testing. Allele origin: germline.
Comment: This variant has not been reported in the literature in individuals affected with PAX2-related conditions. For these reasons, this variant has been classified as Pathogenic. This sequence change creates a premature translational stop signal (p.Leu33Tyrfs*5) in the PAX2 gene. It is expected to result in an absent or disrupted protein product. Loss-of-function variants in PAX2 are known to be pathogenic (PMID: 11461952, 24676634). This variant is not present in population databases (gnomAD no frequency).

Literature cited by the submitters: PubMed 11461952; PubMed 24676634.

NM_000278.5(PAX2):c.97del (p.Leu33fs)

Gene: PAX2 (paired box 2; plus strand). Cytogenetic location: 10q24.31.
Variant type: Deletion.
Coding change: c.97del on transcript NM_000278.5 (MANE Select); coding-DNA position 97, one base deleted (C; older notation c.97delC).
Protein change: p.Leu33fs; shifts the reading frame from leucine 33.
Molecular consequence: frameshift variant.
Genome position (GRCh38, 1-based): chr10:100,749,799, C deleted; the last of 4 consecutive C bases (chr10:100,749,796-100,749,799); deleting any one gives the same sequence. VCF-style (leftmost placement, unchanged base first): chr10-100749795-GC-G. GRCh37 (hg19) VCF-style: chr10-102509552-GC-G.
Other names: c.97del, p.Leu33fs (NM_003989.5, NM_003990.5, NM_003987.5 and 1 more transcripts); c.190del, p.Leu64fs (NM_001304569.2); short protein forms L33fs, L64fs.
Identifiers: ClinVar variation 2032137 (VCV002032137.4), dbSNP rs2492892861, ClinGen allele CA2580081086.